The following is an entry in ClinVar:

ClinVar aggregate classification (germline): Likely benign (1 of 4 stars; one submission).

gnomAD v4.1: 725 of 1,613,546 alleles (0.045%); highest among the groups gnomAD compares: African/African-American, 0.77%; 5 homozygotes.

Submission:

CeGaT Center for Human Genetics Tuebingen
Classification: Likely benign. Last evaluated: 2025-12-01. Review status: criteria provided, single submitter. Criteria: CeGaT Center For Human Genetics Tuebingen Variant Classification Criteria Version 2. Collection method: clinical testing. Allele origin: germline. Affected: yes. Observed: 1 variant allele.
Comment: HECTD4: BP4, BP7

NM_001388303.1(HECTD4):c.10716A>G (p.Thr3572=)

Gene: HECTD4 (HECT domain E3 ubiquitin protein ligase 4; minus strand). Cytogenetic location: 12q24.13.
Variant type: single nucleotide variant.
Coding change: c.10716A>G on transcript NM_001388303.1 (MANE Select); coding-DNA position 10716, A replaced by G.
Protein change: p.Thr3572=; no amino-acid change (threonine 3572 retained).
Molecular consequence: synonymous variant.
Genome position (GRCh38, 1-based): chr12:112,184,250, T>C on the plus strand (A>G on the coding strand, the complement: HECTD4 is on the minus strand). VCF-style: chr12-112184250-T-C. GRCh37 (hg19) VCF-style: chr12-112622054-T-C.
Other names: c.10746A>G, p.Thr3582= (NM_001109662.4).
Identifiers: ClinVar variation 4681410 (VCV004681410.5).